The following is an entry in ClinVar:

ClinVar aggregate classification (germline): Uncertain significance (1 of 4 stars; one submission).

Conditions:
F7-related disorder. Also called: F7-related condition.

gnomAD v4.1: 22 of 1,614,074 alleles (0.0014%); highest among the groups gnomAD compares: African/African-American, 0.016%; no homozygotes.

Submission:

PreventionGenetics, part of Exact Sciences
Classification: Uncertain significance for F7-related condition. Last evaluated: 2024-10-10. Review status: criteria provided, single submitter. Criteria: ACMG Guidelines, 2015. Collection method: clinical testing. Allele origin: germline.
Comment: The F7 c.314G>A variant is predicted to result in the amino acid substitution p.Ser105Asn. To our knowledge, this variant has not been reported in the literature. This variant is reported in 0.012% of alleles in individuals of African descent in gnomAD. At this time, the clinical significance of this variant is uncertain due to the absence of conclusive functional and genetic evidence.

NM_019616.4(F7):c.248G>A (p.Ser83Asn)

Gene: F7 (coagulation factor VII; plus strand). Cytogenetic location: 13q34.
Variant type: single nucleotide variant.
Coding change: c.248G>A on transcript NM_019616.4 (MANE Select); coding-DNA position 248, G replaced by A.
Protein change: p.Ser83Asn; replaces serine 83 with asparagine.
Molecular consequence: missense variant. On other transcripts: intron variant (1).
Genome position (GRCh38, 1-based): chr13:113,113,774, G>A. VCF-style: chr13-113113774-G-A. GRCh37 (hg19) VCF-style: chr13-113768088-G-A.
Other names: c.314G>A, p.Ser105Asn (NM_000131.5); c.65-73G>A (NM_001267554.2); short protein forms S83N, S105N.
Identifiers: ClinVar variation 4990503 (VCV004990503.1).